The following is an entry in ClinVar:

ClinVar aggregate classification (germline): Uncertain significance (1 of 4 stars; one submission).

Conditions:
Dilated cardiomyopathy 1AA (CMD1AA). Also called: Cardiomyopathy, dilated, 1AA, with or without LVNC; CARDIOMYOPATHY, DILATED, 1AA, WITH OR WITHOUT LEFT VENTRICULAR NONCOMPACTION; CARDIOMYOPATHY, FAMILIAL HYPERTROPHIC, 23, WITH OR WITHOUT LEFT VENTRICULAR NONCOMPACTION. Identifiers: Orphanet 154, MedGen C2677338, MONDO:0012808, OMIM 612158.
Primary familial hypertrophic cardiomyopathy (HCM). Identifiers: Orphanet 99739, MedGen C0949658, MeSH D024741, MONDO:0024573. Inheritance: Various modes of inheritance.

gnomAD v4.1: 18 of 1,613,918 alleles (0.0011%); highest among the groups gnomAD compares: Admixed American, 0.028%; no homozygotes.

Submission:

Labcorp Genetics (formerly Invitae), Labcorp
Classification: Uncertain significance for Primary familial hypertrophic cardiomyopathy; Dilated cardiomyopathy 1AA. Last evaluated: 2024-09-14. Review status: criteria provided, single submitter. Criteria: Invitae Variant Classification Sherloc (09022015). Collection method: clinical testing. Allele origin: germline.
Comment: This sequence change falls in intron 18 of the ACTN2 gene. It does not directly change the encoded amino acid sequence of the ACTN2 protein. It affects a nucleotide within the consensus splice site. This variant is present in population databases (no rsID available, gnomAD 0.01%). This variant has not been reported in the literature in individuals affected with ACTN2-related conditions. Variants that disrupt the consensus splice site are a relatively common cause of aberrant splicing (PMID: 17576681, 9536098). Algorithms developed to predict the effect of sequence changes on RNA splicing suggest that this variant is not likely to affect RNA splicing. In summary, the available evidence is currently insufficient to determine the role of this variant in disease. Therefore, it has been classified as a Variant of Uncertain Significance.

Literature cited by the submitters: PubMed 17576681; PubMed 9536098.

NM_001103.4(ACTN2):c.2301+5C>T

Gene: ACTN2 (actinin alpha 2; plus strand). Cytogenetic location: 1q43.
Variant type: single nucleotide variant.
Coding change: c.2301+5C>T on transcript NM_001103.4 (MANE Select); 5 bases into the intron after coding-DNA position 2301, C replaced by T.
Molecular consequence: intron variant.
Genome position (GRCh38, 1-based): chr1:236,757,637, C>T. VCF-style: chr1-236757637-C-T. GRCh37 (hg19) VCF-style: chr1-236920937-C-T.
Other names: c.2301+5C>T (NM_001278343.2).
Identifiers: ClinVar variation 3760630 (VCV003760630.2).